The following is an entry in ClinVar:

NM_000070.3(CAPN3):c.1706T>C (p.Phe569Ser)

Gene: CAPN3 (calpain 3; plus strand). Cytogenetic location: 15q15.1.
Variant type: single nucleotide variant.
Coding change: c.1706T>C on transcript NM_000070.3 (MANE Select); coding-DNA position 1706, T replaced by C.
Protein change: p.Phe569Ser; replaces phenylalanine 569 with serine.
Molecular consequence: missense variant.
Genome position (GRCh38, 1-based): chr15:42,402,963, T>C. VCF-style: chr15-42402963-T-C. GRCh37 (hg19) VCF-style: chr15-42695161-T-C.
Other names: c.1706T>C, p.Phe569Ser (NM_024344.2); c.1562T>C, p.Phe521Ser (NM_173087.2); c.170T>C, p.Phe57Ser (NM_173088.2); c.1706T>C (NM_000070.2); short protein forms F569S, F57S, F521S.
Identifiers: ClinVar variation 290547 (VCV000290547.11), dbSNP rs886044483, ClinGen allele CA10606813.
Genomic context (GRCh38, chr15:42,402,963, plus strand): 5'-TGCCTCCCAGCGAGTACGTCATCGTGCCCTCCACCTACGAGCCCCACCAGGAGGGGGAAT[T>C]CATCCTCCGGGTCTTCTCTGAAAAGAGGAACCTCTCTGAGTGAGTGCTGGCCCAGCTTTC-3'
Protein context (NP_000061.1, residues 559-579): STYEPHQEGE[Phe569Ser]ILRVFSEKRN

ClinVar aggregate classification (germline): Conflicting classifications of pathogenicity. Review status: criteria provided, conflicting classifications (1 of 4 stars). 5 submissions from 5 submitters: Pathogenic (1); Likely pathogenic (2); Uncertain significance (1). 1 of the submissions does not count toward it. Last evaluated 2024-04-25.

Conditions:
Autosomal recessive limb-girdle muscular dystrophy type 2A (LGMDR1). Also called: MUSCULAR DYSTROPHY, PELVOFEMORAL; Limb-girdle muscular dystrophy, type 2A; Calpainopathy; Muscular dystrophy, limb-girdle, type 2A, Amish; LEYDEN-MOEBIUS MUSCULAR DYSTROPHY. Identifiers: Orphanet 267, MedGen C1869123, MONDO:0009675, OMIM 253600. Disease mechanism: loss of function.
Muscular dystrophy, limb-girdle, autosomal dominant 4. Also called: Calpain-3-related limb-girdle muscular dystrophy D4; MUSCULAR DYSTROPHY, LIMB-GIRDLE, TYPE 1I. Identifiers: Orphanet 565909, MedGen C4748295, MONDO:0029133, OMIM 618129.

Submissions (5):

Labcorp Genetics (formerly Invitae), Labcorp
Classification: Pathogenic for Autosomal recessive limb-girdle muscular dystrophy type 2A. Last evaluated: 2024-04-25. Review status: criteria provided, single submitter. Criteria: Invitae Variant Classification Sherloc (09022015). Collection method: clinical testing. Allele origin: germline.
Comment: This sequence change replaces phenylalanine, which is neutral and non-polar, with serine, which is neutral and polar, at codon 569 of the CAPN3 protein (p.Phe569Ser). This variant is not present in population databases (gnomAD no frequency). This missense change has been observed in individual(s) with autosomal recessive limb-girdle muscular dystrophy (PMID: 16141003, 21204801, 32403337, 32896923; Invitae). ClinVar contains an entry for this variant (Variation ID: 290547). Advanced modeling of protein sequence and biophysical properties (such as structural, functional, and spatial information, amino acid conservation, physicochemical variation, residue mobility, and thermodynamic stability) performed at Invitae indicates that this missense variant is expected to disrupt CAPN3 protein function with a positive predictive value of 80%. For these reasons, this variant has been classified as Pathogenic.

Fulgent Genetics
Classification: Likely pathogenic for Autosomal recessive limb-girdle muscular dystrophy type 2A; Muscular dystrophy, limb-girdle, autosomal dominant 4. Last evaluated: 2024-03-01. Review status: criteria provided, single submitter. Criteria: ACMG Guidelines, 2015. Collection method: clinical testing. Allele origin: germline.

Blueprint Genetics
Classification: Uncertain significance. Last evaluated: 2021-08-31. Review status: criteria provided, single submitter. Criteria: ACMG Guidelines, 2015. Collection method: clinical testing. Allele origin: germline.

Clinical Genetics Service, Universitary Hospital 12 de Octubre
Classification: Likely pathogenic for Autosomal recessive limb-girdle muscular dystrophy type 2A. Review status: criteria provided, single submitter. Criteria: ACMG Guidelines, 2015. Collection method: clinical testing. Allele origin: maternal. Affected: yes.

Eurofins Ntd Llc (ga)
Classification: Uncertain significance. Last evaluated: 2016-08-16. Review status: flagged submission. Criteria: EGL Classification Definitions 2015. Collection method: clinical testing. Allele origin: germline. Observed: 1 variant allele, 1 heterozygote. Not counted in ClinVar's aggregate classification.
ClinVar note: Reason: Older claim that does not account for recent evidence

Literature cited by the submitters: PubMed 16141003 (cited by Labcorp Genetics (formerly Invitae), Labcorp); PubMed 21204801 (cited by Labcorp Genetics (formerly Invitae), Labcorp); PubMed 32403337 (cited by Labcorp Genetics (formerly Invitae), Labcorp); PubMed 32896923 (cited by Labcorp Genetics (formerly Invitae), Labcorp).